The following is an entry in ClinVar:

NM_024675.4(PALB2):c.1893A>G (p.Ser631=)

Gene: PALB2 (partner and localizer of BRCA2; minus strand). Cytogenetic location: 16p12.2.
Variant type: single nucleotide variant.
Coding change: c.1893A>G on transcript NM_024675.4 (MANE Select); coding-DNA position 1893, A replaced by G.
Protein change: p.Ser631=; no amino-acid change (serine 631 retained).
Molecular consequence: synonymous variant. On other transcripts: intron variant (1).
Genome position (GRCh38, 1-based): chr16:23,630,261, T>C on the plus strand (A>G on the coding strand, the complement: PALB2 is on the minus strand). VCF-style: chr16-23630261-T-C. GRCh37 (hg19) VCF-style: chr16-23641582-T-C.
Other names: c.1833A>G, p.Ser611= (NM_001407296.1); c.1893A>G, p.Ser631= (NM_001407297.1, NM_001407298.1, NM_001407299.1 and 3 more transcripts); c.1008A>G, p.Ser336= (NM_001407304.1, NM_001407305.1, NM_001407306.1 and 5 more transcripts); c.105A>G, p.Ser35= (NM_001407312.1, NM_001407313.1); c.49-986A>G (NM_001407314.1).
Identifiers: ClinVar variation 2116872 (VCV002116872.5), dbSNP rs2506432081, ClinGen allele CA494461196.
Genomic context (GRCh38, chr16:23,630,261, plus strand): 5'-TCCCTCTTTAAGATGTCTCTCTCCAAACATTTTTGACTCAAAGGGCTCCACTGGTTTTTC[T>C]GAGCAGGACTTCACTTTTTCAAGCTTAAGAGGTCCAAAGTCTTCATCAGGTAACTGAAAG-3'
Protein context (NP_078951.2, residues 621-641): PLKLEKVKSC[Ser631=]EKPVEPFESK

ClinVar aggregate classification (germline): Benign/Likely benign. Review status: criteria provided, multiple submitters, no conflicts (2 of 4 stars). 2 submissions from 2 submitters: Benign (1); Likely benign (1). Last evaluated 2025-01-14.

Conditions:
Familial cancer of breast. Also called: hereditary breast carcinoma; BREAST CANCER, FAMILIAL; Hereditary breast cancer. Identifiers: Orphanet 227535, MedGen C0346153, MONDO:0016419, OMIM 114480. Disease mechanism: loss of function.

Allele frequency attached by ClinVar (database versions not stated): gnomAD exomes below 0.00001.
gnomAD v4.1: 1 of 1,614,208 alleles (0.000062%); highest among the groups gnomAD compares: Non-Finnish European, 0.000085%; no homozygotes.

Submissions (2):

Myriad Genetics, Inc.
Classification: Benign for Familial cancer of breast. Last evaluated: 2025-01-14. Review status: criteria provided, single submitter. Criteria: Myriad Autosomal Dominant, Autosomal Recessive and X-Linked Classification Criteria (2023). Collection method: clinical testing. Allele origin: unknown.
Comment: This variant is considered benign. This variant is a silent/synonymous amino acid change and it is not expected to impact splicing.

Labcorp Genetics (formerly Invitae), Labcorp
Classification: Likely benign for Familial cancer of breast. Last evaluated: 2024-01-02. Review status: criteria provided, single submitter. Criteria: Invitae Variant Classification Sherloc (09022015). Collection method: clinical testing. Allele origin: germline.